The following is an entry in ClinVar:

ClinVar aggregate classification (germline): Benign/Likely benign. Review status: criteria provided, multiple submitters, no conflicts (2 of 4 stars). 15 submissions from 15 submitters: Benign (8); Likely benign (5). 2 of the submissions do not count toward it. Last evaluated 2026-08-01.

Conditions:
TSC2-related disorder. Also called: TSC2-related condition; TSC2-Related Disorders.
Hereditary cancer-predisposing syndrome. Also called: Neoplastic Syndromes, Hereditary; Tumor predisposition; Hereditary Cancer Syndrome; Hereditary neoplastic syndrome. Identifiers: Orphanet 140162, MedGen C0027672, MeSH D009386, MONDO:0015356.
Tuberous sclerosis syndrome (TSC). Also called: Tuberous Sclerosis Complex; Tuberous sclerosis. Identifiers: Orphanet 805, MedGen C0041341, MONDO:0001734.
Tuberous sclerosis 2 (TSC2). Identifiers: Orphanet 805, MedGen C1860707, MONDO:0013199, OMIM 613254.

Allele frequency attached by ClinVar (database versions not stated): gnomAD 0.00009; gnomAD exomes 0.00011 and 0.00012; TOPMed 0.00011; ExAC 0.00017; ESP Exome Variant Server 0.00031.
gnomAD v4.1: 200 of 1,609,174 alleles (0.012%); highest among the groups gnomAD compares: East Asian, 0.025%; no homozygotes.

Submissions (15):

CeGaT Center for Human Genetics Tuebingen
Classification: Likely benign. Last evaluated: 2026-08-01. Review status: criteria provided, single submitter. Criteria: CeGaT Center For Human Genetics Tuebingen Variant Classification Criteria Version 2. Collection method: clinical testing. Allele origin: germline. Affected: yes. Observed: 4 variant alleles.
Comment: TSC2: BP4, BP7

Labcorp Genetics (formerly Invitae), Labcorp
Classification: Benign for Tuberous sclerosis 2. Last evaluated: 2026-02-02. Review status: criteria provided, single submitter. Criteria: Invitae Variant Classification Sherloc (09022015). Collection method: clinical testing. Allele origin: germline.

ARUP Laboratories, Molecular Genetics and Genomics, ARUP Laboratories
Classification: Likely benign. Last evaluated: 2025-06-26. Review status: criteria provided, single submitter. Criteria: ARUP Molecular Germline Variant Investigation Process 2024. Collection method: clinical testing. Allele origin: germline.

Myriad Genetics, Inc.
Classification: Benign for Tuberous sclerosis 2. Last evaluated: 2025-06-02. Review status: criteria provided, single submitter. Criteria: Myriad Autosomal Dominant, Autosomal Recessive and X-Linked Classification Criteria (2023). Collection method: clinical testing. Allele origin: unknown.
Comment: This variant is considered benign. This variant is a silent/synonymous amino acid change and it is not expected to impact splicing.

Blueprint Genetics
Classification: Likely benign. Last evaluated: 2024-06-18. Review status: criteria provided, single submitter. Criteria: ACMG Guidelines, 2015. Collection method: clinical testing. Allele origin: germline.

All of Us Research Program, National Institutes of Health
Classification: Benign for Tuberous sclerosis syndrome. Last evaluated: 2024-02-05. Review status: criteria provided, single submitter. Criteria: ACMG Guidelines, 2015. Collection method: clinical testing. Allele origin: germline. Inheritance: Autosomal dominant inheritance. Observed: 50 variant alleles, 50 heterozygotes.
Comment: This study involves interpretation of variants in research participants for the purpose of population health screening. Participant phenotype was not available at the time of variant classification. Additional details can be found in publication PMID: 35346344, PMCID: PMC8962531

Women's Health and Genetics/Laboratory Corporation of America, LabCorp
Classification: Benign. Last evaluated: 2024-02-04. Review status: criteria provided, single submitter. Criteria: LabCorp Variant Classification Summary - May 2015. Collection method: clinical testing. Allele origin: germline.

KCCC/NGS Laboratory, Kuwait Cancer Control Center
Classification: Benign for Tuberous sclerosis 2. Last evaluated: 2023-07-07. Review status: criteria provided, single submitter. Criteria: ACMG Guidelines, 2015. Collection method: clinical testing. Allele origin: germline. Affected: yes.

Color Diagnostics, LLC DBA Color Health
Classification: Benign for Tuberous sclerosis syndrome. Last evaluated: 2022-10-05. Review status: criteria provided, single submitter. Criteria: ACMG Guidelines, 2015. Collection method: clinical testing. Allele origin: germline.

Genome-Nilou Lab
Classification: Benign for Tuberous sclerosis 2. Last evaluated: 2021-11-07. Review status: criteria provided, single submitter. Criteria: ACMG Guidelines, 2015. Collection method: clinical testing. Allele origin: germline. Affected: no.

Sema4
Classification: Likely benign for Hereditary cancer-predisposing syndrome. Last evaluated: 2021-05-21. Review status: criteria provided, single submitter. Criteria: Sema4 Curation Guidelines. Collection method: curation. Allele origin: germline.

GeneDx
Classification: Benign. Last evaluated: 2019-06-28. Review status: criteria provided, single submitter. Criteria: GeneDx Variant Classification Process June 2021. Collection method: clinical testing. Allele origin: germline. Affected: yes.
Comment: This variant is associated with the following publications: (PMID: 16981987)

Ambry Genetics
Classification: Likely benign for Hereditary cancer-predisposing syndrome. Last evaluated: 2015-06-23. Review status: criteria provided, single submitter. Criteria: Ambry Variant Classification Scheme 2023. Collection method: clinical testing. Allele origin: germline.

PreventionGenetics, part of Exact Sciences
Classification: Likely benign for TSC2-related condition. Last evaluated: 2022-04-15. Review status: no assertion criteria provided. Collection method: clinical testing. Allele origin: germline. Not counted in ClinVar's aggregate classification.
Comment: This variant is classified as likely benign based on ACMG/AMP sequence variant interpretation guidelines (Richards et al. 2015 PMID: 25741868, with internal and published modifications).

Tuberous sclerosis database (TSC2)
No classification provided. Condition: TSC. Review status: no classification provided. Criteria: Tuberous Sclerosis Database Assertion Criteria 2015. Collection method: curation. Allele origin: germline. Affected: yes. Not counted in ClinVar's aggregate classification.

Literature cited by the submitters: PubMed 16981987 (cited by Sema4).

NM_000548.5(TSC2):c.4047G>A (p.Ala1349=)

Gene: TSC2 (TSC complex subunit 2; plus strand). Cytogenetic location: 16p13.3.
Variant type: single nucleotide variant.
Coding change: c.4047G>A on transcript NM_000548.5 (MANE Select); coding-DNA position 4047, G replaced by A.
Protein change: p.Ala1349=; no amino-acid change (alanine 1349 retained).
Molecular consequence: synonymous variant.
Genome position (GRCh38, 1-based): chr16:2,084,269, G>A. VCF-style: chr16-2084269-G-A. GRCh37 (hg19) VCF-style: chr16-2134270-G-A.
Other names: c.4047G>A (NM_000548.4); c.3846G>A, p.Ala1282= (NM_001077183.3); c.3978G>A, p.Ala1326= (NM_001114382.3); c.3738G>A, p.Ala1246= (NM_001318827.2); c.3702G>A, p.Ala1234= (NM_001318829.2); c.3315G>A, p.Ala1105= (NM_001318831.2); c.3879G>A, p.Ala1293= (NM_001318832.2); c.3849G>A, p.Ala1283= (NM_001363528.2); and 2 more.
Identifiers: ClinVar variation 50045 (VCV000050045.50), dbSNP rs45468491, ClinGen allele CA019881.